The following is an entry in ClinVar:

ClinVar aggregate classification (germline): Uncertain significance. Review status: criteria provided, multiple submitters, no conflicts (2 of 4 stars). 2 submissions from 2 submitters: Uncertain significance (2). Last evaluated 2021-06-13.

Conditions:
CHARGE syndrome (CHARGE). Also called: Coloboma, heart anomaly, choanal atresia, retardation, genital and ear anomalies; CHARGE association; Hall-Hittner syndrome; Hittner Hirsch Kreh syndrome; CHARGE ASSOCIATION--COLOBOMA, HEART ANOMALY, CHOANAL ATRESIA, RETARDATION, GENITAL AND EAR ANOMALIES. Identifiers: Orphanet 138, MedGen C0265354, MONDO:0008965.

Submissions (2):

Labcorp Genetics (formerly Invitae), Labcorp
Classification: Uncertain significance for CHARGE syndrome. Last evaluated: 2021-06-13. Review status: criteria provided, single submitter. Criteria: Invitae Variant Classification Sherloc (09022015). Collection method: clinical testing. Allele origin: germline.
Comment: In summary, the available evidence is currently insufficient to determine the role of this variant in disease. Therefore, it has been classified as a Variant of Uncertain Significance. Algorithms developed to predict the effect of sequence changes on RNA splicing suggest that this variant may create or strengthen a splice site, but this prediction has not been confirmed by published transcriptional studies. This variant has not been reported in the literature in individuals with SEMA3E-related conditions. This variant is not present in population databases (ExAC no frequency). This sequence change affects codon 731 of the SEMA3E mRNA. It is a 'silent' change, meaning that it does not change the encoded amino acid sequence of the SEMA3E protein.

Breakthrough Genomics
Classification: Uncertain significance. Review status: criteria provided, single submitter. Criteria: ACMG Guidelines, 2015. Collection method: not provided. Allele origin: germline. Inheritance: Autosomal recessive inheritance. Affected: yes.

NM_012431.3(SEMA3E):c.2193A>G (p.Lys731=)

Gene: SEMA3E (semaphorin 3E; minus strand). Cytogenetic location: 7q21.11.
Variant type: single nucleotide variant.
Coding change: c.2193A>G on transcript NM_012431.3 (MANE Select); coding-DNA position 2193, A replaced by G.
Protein change: p.Lys731=; no amino-acid change (lysine 731 retained).
Molecular consequence: synonymous variant.
Genome position (GRCh38, 1-based): chr7:83,367,721, T>C on the plus strand (A>G on the coding strand, the complement: SEMA3E is on the minus strand). VCF-style: chr7-83367721-T-C. GRCh37 (hg19) VCF-style: chr7-82997037-T-C.
Other names: c.2013A>G, p.Lys671= (NM_001178129.2).
Identifiers: ClinVar variation 1498300 (VCV001498300.9), dbSNP rs2116891865, ClinGen allele CA456344080.
Genomic context (GRCh38, chr7:83,367,721, plus strand): 5'-ATACTTCCACTTGGAGGGTGACATTTTAAGCTTTTTCCTCTTTCTATCTGTGCACCATAC[T>C]TTCTCGCAGTATTCTTCCACTCTCTGGAAGTTGCTATAACCGATCAGCTGCAAGAATTCC-3'
Protein context (NP_036563.1, residues 721-741): NFQRVEEYCE[Lys731=]VWCTDRKRKK